The following is an entry in ClinVar:

NM_007294.4(BRCA1):c.5193+17A>C

Gene: BRCA1 (BRCA1 DNA repair associated; minus strand). Cytogenetic location: 17q21.31.
Variant type: single nucleotide variant.
Coding change: c.5193+17A>C on transcript NM_007294.4 (MANE Select); 17 bases into the intron after coding-DNA position 5193, A replaced by C.
Molecular consequence: intron variant.
Genome position (GRCh38, 1-based): chr17:43,063,316, T>G on the plus strand (A>C on the coding strand, the complement: BRCA1 is on the minus strand). VCF-style: chr17-43063316-T-G. GRCh37 (hg19) VCF-style: chr17-41215333-T-G.
Other names: c.1881+17A>C (NM_001407990.1, NM_007299.4, NM_001407991.1 and 12 more transcripts); c.1884+17A>C (NM_001407974.1, NM_001407973.1, NM_001407975.1 and 3 more transcripts); c.2586+17A>C (NM_001407969.1); c.2589+17A>C (NM_001407968.1); c.5187+17A>C (NM_001407640.1, NM_001407631.1, NM_001407638.1 and 14 more transcripts); c.5190+17A>C (NM_001407626.1, NM_001407617.1, NM_001407622.1 and 17 more transcripts); c.5115+17A>C (NM_001407652.1, NM_001407653.1, NM_001407655.1 and 1 more transcripts); c.5193+17A>C (NM_001407854.1, NM_001407598.1, NM_001407596.1 and 7 more transcripts); and 72 more.
Identifiers: ClinVar variation 865124 (VCV000865124.3), dbSNP rs2051850053, ClinGen allele CA916080002.
Genomic context (GRCh38, chr17:43,063,316, plus strand): 5'-ATGGAAGGAAGCAAATACATTTTTAACTATATGACTGAATGAATATCTCTGGTTAGTTTG[T>G]AACATCAAGTACTTACCTCATTCAGCATTTTTCTTTCTTTAATAGACTGGGTCACCCCTA-3'

Conditions:
Breast-ovarian cancer, familial, susceptibility to, 1 (BROVCA1). Also called: BRCA1 Hereditary Breast and Ovarian Cancer; OVARIAN CANCER, SUSCEPTIBILITY TO. Identifiers: Orphanet 145, MedGen C2676676, MONDO:0011450, OMIM 604370. Disease mechanism: loss of function.

Submission:

Brotman Baty Institute, University of Washington
No classification provided (evidence only). Condition: Breast-ovarian cancer, familial 1. Review status: no classification provided. Collection method: in vitro. Allele origin: not applicable. Functional consequence: functionally_normal.
ClinVar note: "not provided" was previously submitted as the classification for the variant. However, the classification appeared to be based only on an observation of functional data so it was converted to no classification on 2025-07-30.